The following is an entry in ClinVar:

NM_000660.7(TGFB1):c.28_29insTGCTGCTGCTAC (p.Leu9_Pro10insLeuLeuLeuLeu)

Gene: TGFB1 (transforming growth factor beta 1; minus strand). Cytogenetic location: 19q13.2.
Variant type: Insertion.
Coding change: c.28_29insTGCTGCTGCTAC on transcript NM_000660.7 (MANE Select); coding-DNA positions 28 to 29, TGCTGCTGCTAC inserted.
Protein change: p.Leu9_Pro10insLeuLeuLeuLeu.
Molecular consequence: inframe insertion.
Genome position: GRCh38 VCF-style: chr19-41353016-G-GGTAGCAGCAGCA. GRCh37 (hg19) VCF-style: chr19-41858921-G-GGTAGCAGCAGCA.
Identifiers: ClinVar variation 1411088 (VCV001411088.8), dbSNP rs917748222, ClinGen allele CA308518796.

ClinVar aggregate classification (germline): Uncertain significance (1 of 4 stars; one submission).

Submission:

Labcorp Genetics (formerly Invitae), Labcorp
Classification: Uncertain significance. Last evaluated: 2023-08-17. Review status: criteria provided, single submitter. Criteria: Invitae Variant Classification Sherloc (09022015). Collection method: clinical testing. Allele origin: germline.
Comment: This variant, c.28_29insTGCTGCTGCTAC, results in the insertion of 4 amino acid(s) of the TGFB1 protein (p.Leu9_Pro10insLeuLeuLeuLeu), but otherwise preserves the integrity of the reading frame. This variant is not present in population databases (gnomAD no frequency). This variant has not been reported in the literature in individuals affected with TGFB1-related conditions. ClinVar contains an entry for this variant (Variation ID: 1411088). Experimental studies and prediction algorithms are not available or were not evaluated, and the functional significance of this variant is currently unknown. In summary, the available evidence is currently insufficient to determine the role of this variant in disease. Therefore, it has been classified as a Variant of Uncertain Significance.